The following is an entry in ClinVar:

ClinVar aggregate classification (germline): Benign/Likely benign. Review status: criteria provided, multiple submitters, no conflicts (2 of 4 stars). 10 submissions from 10 submitters: Benign (4); Likely benign (4). 2 of the submissions do not count toward it. Last evaluated 2026-04-01.

Conditions:
COL4A2-related disorder. Also called: COL4A2-related disorders; COL4A2-related condition.
Hemorrhage, intracerebral, susceptibility to (ICH). Also called: Stroke, hemorrhagic, susceptibility to. Identifiers: MedGen C3281105, MONDO:0100533, OMIM 614519.
Brain small vessel disease 2A, autosomal dominant. Also called: Porencephaly 2. Identifiers: Orphanet 2940, Orphanet 99810, MedGen C3280970, MONDO:0013773, OMIM 614483.

Allele frequency attached by ClinVar (database versions not stated): gnomAD exomes 0.00085 and 0.00176; ExAC 0.00347; ESP Exome Variant Server 0.00667; gnomAD 0.00811 and 0.00869; 1000 Genomes Project 0.00938; TOPMed 0.00958; 1000 Genomes Project 30x 0.01077.
gnomAD v4.1: 2,518 of 1,580,738 alleles (0.16%); highest among the groups gnomAD compares: African/African-American, 2.7%; 28 homozygotes.

Submissions (10):

CeGaT Center for Human Genetics Tuebingen
Classification: Likely benign. Last evaluated: 2026-04-01. Review status: criteria provided, single submitter. Criteria: CeGaT Center For Human Genetics Tuebingen Variant Classification Criteria Version 2. Collection method: clinical testing. Allele origin: germline. Affected: yes. Observed: 4 variant alleles.
Comment: COL4A2: BP4

Labcorp Genetics (formerly Invitae), Labcorp
Classification: Benign. Last evaluated: 2026-01-27. Review status: criteria provided, single submitter. Criteria: Invitae Variant Classification Sherloc (09022015). Collection method: clinical testing. Allele origin: germline.

Mayo Clinic Laboratories, Mayo Clinic
Classification: Benign. Last evaluated: 2025-01-21. Review status: criteria provided, single submitter. Criteria: ACMG Guidelines, 2015. Collection method: clinical testing. Allele origin: germline. Observed: 4 variant alleles.
Comment: BS1, BS2, BP4, PS3_supporting

Department of Pathology and Laboratory Medicine, Sinai Health System
Classification: Benign for porencephaly 2. Last evaluated: 2023-04-03. Review status: criteria provided, single submitter. Criteria: ACMG Guidelines, 2015. Collection method: research. Allele origin: germline.

Fulgent Genetics
Classification: Likely benign for Brain small vessel disease 2A, autosomal dominant; Hemorrhage, intracerebral, susceptibility to. Last evaluated: 2021-09-13. Review status: criteria provided, single submitter. Criteria: ACMG Guidelines, 2015. Collection method: clinical testing. Allele origin: unknown.

Mendelics
Classification: Benign for Brain small vessel disease 2A, autosomal dominant. Last evaluated: 2019-05-28. Review status: criteria provided, single submitter. Criteria: Mendelics Assertion Criteria 2017. Collection method: clinical testing. Allele origin: unknown.

Illumina Laboratory Services, Illumina
Classification: Likely benign for Brain small vessel disease 2A, autosomal dominant. Last evaluated: 2017-04-27. Review status: criteria provided, single submitter. Criteria: ICSL Variant Classification Criteria 13 December 2019. Collection method: clinical testing. Allele origin: germline.
Comment: This variant was observed as part of a predisposition screen in an ostensibly healthy population. A literature search was performed for the gene, cDNA change, and amino acid change (where applicable). Publications were found based on this search. The evidence from the literature, in combination with allele frequency data from public databases where available, was sufficient to determine this variant is unlikely to cause disease. Therefore, this variant is classified as likely benign.

Breakthrough Genomics
Classification: Likely benign. Review status: criteria provided, single submitter. Criteria: ACMG Guidelines, 2015. Collection method: not provided. Allele origin: germline. Inheritance: Autosomal dominant inheritance. Affected: yes.

PreventionGenetics, part of Exact Sciences
Classification: Benign for COL4A2-related condition. Last evaluated: 2019-12-31. Review status: no assertion criteria provided. Collection method: clinical testing. Allele origin: germline. Not counted in ClinVar's aggregate classification.
Comment: This variant is classified as benign based on ACMG/AMP sequence variant interpretation guidelines (Richards et al. 2015 PMID: 25741868, with internal and published modifications).

OMIM
Classification: risk factor for HEMORRHAGE, INTRACEREBRAL, SUSCEPTIBILITY TO. Last evaluated: 2012-01-13. Review status: no assertion criteria provided. Collection method: literature only. Allele origin: germline. Not counted in ClinVar's aggregate classification.

Literature cited by the submitters: PubMed 22209247 (cited by 3 submitters).

NM_001846.4(COL4A2):c.3448C>A (p.Gln1150Lys)

Gene: COL4A2 (collagen type IV alpha 2 chain; plus strand). Cytogenetic location: 13q34.
Variant type: single nucleotide variant.
Coding change: c.3448C>A on transcript NM_001846.4 (MANE Select); coding-DNA position 3448, C replaced by A.
Protein change: p.Gln1150Lys; replaces glutamine 1150 with lysine.
Molecular consequence: missense variant.
Genome position (GRCh38, 1-based): chr13:110,491,334, C>A. VCF-style: chr13-110491334-C-A. GRCh37 (hg19) VCF-style: chr13-111143681-C-A.
Other names: short protein forms Q1150K.
Identifiers: ClinVar variation 29630 (VCV000029630.51), dbSNP rs62621875, ClinGen allele CA128515.
Genomic context (GRCh38, chr13:110,491,334, plus strand): 5'-ATCGGCTTCCCTGGGATAACAGGCGTGACTGGAGTCCAAGGCCCTCCTGGACTTAAAGGA[C>A]AAACAGGTAAAATCTCCCGCAGCCACACAGCCTTCCTCAGGCAGGCCCTCCGGAGACCCC-3'
Protein context (NP_001837.2, residues 1140-1160): GVQGPPGLKG[Gln1150Lys]TGFPGLTGPP